The following is an entry in ClinVar:

ClinVar aggregate classification (germline): Uncertain significance. Review status: criteria provided, multiple submitters, no conflicts (2 of 4 stars). 2 submissions from 2 submitters: Uncertain significance (2). Last evaluated 2026-04-30.

Conditions:
Inborn genetic diseases. Identifiers: MedGen C0950123, MeSH D030342.

Submissions (2):

Ambry Genetics
Classification: Uncertain significance for Inborn genetic diseases. Last evaluated: 2026-04-30. Review status: criteria provided, single submitter. Criteria: Ambry Variant Classification Scheme 2023. Collection method: clinical testing. Allele origin: germline.

GeneDx
Classification: Uncertain significance. Last evaluated: 2020-08-18. Review status: criteria provided, single submitter. Criteria: GeneDx Variant Classification Process June 2021. Collection method: clinical testing. Allele origin: germline. Affected: yes.
Comment: Not observed in large population cohorts (Lek et al., 2016); In silico analysis supports that this missense variant has a deleterious effect on protein structure/function; Has not been previously published as pathogenic or benign to our knowledge

NM_001457.4(FLNB):c.7238G>A (p.Gly2413Asp)

Genes: FLNB (filamin B; plus strand), FLNB-AS1 (FLNB antisense RNA 1; minus strand). Cytogenetic location: 3p14.3.
Variant type: single nucleotide variant.
Coding change: c.7238G>A on transcript NM_001457.4 (MANE Select); coding-DNA position 7238, G replaced by A.
Protein change: p.Gly2413Asp; replaces glycine 2413 with aspartic acid.
Molecular consequence: missense variant.
Genome position (GRCh38, 1-based): chr3:58,168,479, G>A. VCF-style: chr3-58168479-G-A. GRCh37 (hg19) VCF-style: chr3-58154206-G-A.
Other names: c.7331G>A, p.Gly2444Asp (NM_001164317.2); c.7205G>A, p.Gly2402Asp (NM_001164318.2); c.7166G>A, p.Gly2389Asp (NM_001164319.2); short protein forms G2389D, G2402D, G2413D, G2444D.
Identifiers: ClinVar variation 1303414 (VCV001303414.3), dbSNP rs2107339782, ClinGen allele CA353334676.